The following is an entry in ClinVar:

ClinVar aggregate classification (germline): Uncertain significance (1 of 4 stars; one submission).

Conditions:
Cerebral arteriopathy, autosomal dominant, with subcortical infarcts and leukoencephalopathy, type 1 (CADASIL1). Also called: CADASIL 1; CASIL; Cerebral arteriopathy with subcortical infarcts and leukoencephalopathy 1; DEMENTIA, HEREDITARY MULTIINFARCT TYPE. Identifiers: Orphanet 136, MedGen C4551768, MONDO:0000914, OMIM 125310.

Allele frequency attached by ClinVar (database versions not stated): TOPMed below 0.00001.
gnomAD v4.1: 7 of 1,612,464 alleles (0.00043%); highest among the groups gnomAD compares: African/African-American, 0.0013%; no homozygotes.

Submission:

Victorian Clinical Genetics Services, Murdoch Childrens Research Institute
Classification: Uncertain significance for Cerebral arteriopathy, autosomal dominant, with subcortical infarcts and leukoencephalopathy, type 1. Last evaluated: 2019-08-28. Review status: criteria provided, single submitter. Criteria: ACMG Guidelines, 2015. Collection method: clinical testing. Allele origin: germline. Inheritance: Autosomal dominant inheritance. Affected: yes.
Comment: A heterozygous missense variant, NM_000435.2(NOTCH3):c. 457C>A, has been identified in exon 4 of 33 of the NOTCH3 gene. The variant is predicted to result in a major amino acid change from arginine to serine at position 153 of the protein (NP_000426.2(NOTCH3):p.(Arg153Ser)). The arginine residue at this position has high conservation (100 vertebrates, UCSC), and is located within the EGF-like functional domain. Missense variants result in a loss or a gain of a cysteine residue in one of the 34 EGF-like domains is a known disease mechanism in CADSIL (Joutel, A. et al. (2004)). In silico predictions of pathogenicity for this variant are conflicting (Polyphen, SIFT, CADD, Mutation Taster). The variant is absent in population databases (gnomAD). An alternative residue change has been reported in the gnomAD database at a frequency of 0.002%. This variant has not been previously reported in clinical cases. A different variant in the same codon resulting in a change to cysteine has been shown to cause CADSIL (ClinVar, Matsushima, T. et al. (2017), Chen, S. et al. (2017)). Based on the information available at the time of curation, this variant has been classified as a VARIANT of UNCERTAIN SIGNIFICANCE (VUS).

NM_000435.3(NOTCH3):c.457C>A (p.Arg153Ser)

Gene: NOTCH3 (notch receptor 3; minus strand). Cytogenetic location: 19p13.12.
Variant type: single nucleotide variant.
Coding change: c.457C>A on transcript NM_000435.3 (MANE Select); coding-DNA position 457, C replaced by A.
Protein change: p.Arg153Ser; replaces arginine 153 with serine.
Molecular consequence: missense variant.
Genome position (GRCh38, 1-based): chr19:15,192,182, G>T on the plus strand (C>A on the coding strand, the complement: NOTCH3 is on the minus strand). VCF-style: chr19-15192182-G-T. GRCh37 (hg19) VCF-style: chr19-15302993-G-T.
Other names: short protein forms R153S.
Identifiers: ClinVar variation 1805476 (VCV001805476.1), dbSNP rs797045014, ClinGen allele CA404533967.